The following is an entry in ClinVar:

ClinVar aggregate classification (germline): Uncertain significance (1 of 4 stars; one submission).

Conditions:
Hereditary cancer-predisposing syndrome. Also called: Hereditary Cancer Syndrome; Hereditary neoplastic syndrome; Neoplastic Syndromes, Hereditary; Tumor predisposition. Identifiers: Orphanet 140162, MedGen C0027672, MeSH D009386, MONDO:0015356.

Submission:

Ambry Genetics
Classification: Uncertain significance for Hereditary cancer-predisposing syndrome. Last evaluated: 2025-06-23. Review status: criteria provided, single submitter. Criteria: Ambry Variant Classification Scheme 2023. Collection method: clinical testing. Allele origin: germline.
Comment: The c.379-5T>C intronic variant results from a T to C substitution 5 nucleotides upstream from coding exon 4 in the FH gene. This nucleotide position is well conserved in available vertebrate species. In silico splice site analysis predicts that this alteration will not have any significant effect on splicing. Based on the available evidence, the clinical significance of this variant remains unclear.

NM_000143.4(FH):c.379-5T>C

Gene: FH (fumarate hydratase; minus strand). Cytogenetic location: 1q43.
Variant type: single nucleotide variant.
Coding change: c.379-5T>C on transcript NM_000143.4 (MANE Select); 5 bases into the intron before coding-DNA position 379, T replaced by C.
Molecular consequence: intron variant.
Genome position (GRCh38, 1-based): chr1:241,512,148, A>G on the plus strand (T>C on the coding strand, the complement: FH is on the minus strand). VCF-style: chr1-241512148-A-G. GRCh37 (hg19) VCF-style: chr1-241675448-A-G.
Identifiers: ClinVar variation 4257329 (VCV004257329.1).